The following is an entry in ClinVar:

ClinVar aggregate classification (germline): Uncertain significance. Review status: criteria provided, multiple submitters, no conflicts (2 of 4 stars). 2 submissions from 2 submitters: Uncertain significance (2). Last evaluated 2026-02-24.

Conditions:
Inborn genetic diseases. Identifiers: MedGen C0950123, MeSH D030342.

Allele frequency attached by ClinVar (database versions not stated): ESP Exome Variant Server 0.00008; gnomAD exomes below 0.00001 and 0.00001; ExAC 0.00001; gnomAD 0.00002; TOPMed 0.00002.
gnomAD v4.1: 19 of 1,614,060 alleles (0.0012%); highest among the groups gnomAD compares: Non-Finnish European, 0.0016%; no homozygotes.

Submissions (2):

Ambry Genetics
Classification: Uncertain significance for Inborn genetic diseases. Last evaluated: 2026-02-24. Review status: criteria provided, single submitter. Criteria: Ambry Variant Classification Scheme 2023. Collection method: clinical testing. Allele origin: germline.

Labcorp Genetics (formerly Invitae), Labcorp
Classification: Uncertain significance. Last evaluated: 2023-05-20. Review status: criteria provided, single submitter. Criteria: Invitae Variant Classification Sherloc (09022015). Collection method: clinical testing. Allele origin: germline.
Comment: ClinVar contains an entry for this variant (Variation ID: 1058724). An algorithm developed to predict the effect of missense changes on protein structure and function (PolyPhen-2) suggests that this variant is likely to be disruptive. Algorithms developed to predict the effect of sequence changes on RNA splicing suggest that this variant may disrupt the consensus splice site. In summary, the available evidence is currently insufficient to determine the role of this variant in disease. Therefore, it has been classified as a Variant of Uncertain Significance. This variant has not been reported in the literature in individuals affected with FN1-related conditions. This variant is present in population databases (rs376006995, gnomAD 0.002%). This sequence change replaces aspartic acid, which is acidic and polar, with glycine, which is neutral and non-polar, at codon 2103 of the FN1 protein (p.Asp2103Gly).

NM_212482.4(FN1):c.6308A>G (p.Asp2103Gly)

Gene: FN1 (fibronectin 1; minus strand). Cytogenetic location: 2q35.
Variant type: single nucleotide variant.
Coding change: c.6308A>G on transcript NM_212482.4 (MANE Select); coding-DNA position 6308, A replaced by G.
Protein change: p.Asp2103Gly; replaces aspartic acid 2103 with glycine.
Molecular consequence: missense variant. On other transcripts: intron variant (9).
Genome position (GRCh38, 1-based): chr2:215,372,315, T>C on the plus strand (A>G on the coding strand, the complement: FN1 is on the minus strand). VCF-style: chr2-215372315-T-C. GRCh37 (hg19) VCF-style: chr2-216237038-T-C.
Other names: c.6308A>G, p.Asp2103Gly (NM_001306129.2); c.5765A>G, p.Asp1922Gly (NM_001306131.2, NM_212476.3); c.6038A>G, p.Asp2013Gly (NM_001365517.2, NM_001365521.2); c.6035A>G, p.Asp2012Gly (NM_001365518.2, NM_002026.4); c.5705-300A>G (NM_212474.3); c.5705-15A>G (NM_001306132.2, NM_001365523.2); c.5975-300A>G (NM_001365524.2); c.5975-15A>G (NM_212478.3, NM_001365520.2); and 3 more; short protein forms D1922G, D2012G, D2013G, D2103G.
Identifiers: ClinVar variation 1058724 (VCV001058724.8), dbSNP rs376006995, ClinGen allele CA2093869.